The following is an entry in ClinVar:

ClinVar aggregate classification (germline): Uncertain significance. Review status: criteria provided, multiple submitters, no conflicts (2 of 4 stars). 2 submissions from 2 submitters: Uncertain significance (2). Last evaluated 2024-02-05.

Conditions:
Inborn genetic diseases. Identifiers: MedGen C0950123, MeSH D030342.
Mosaic variegated aneuploidy syndrome 1 (MVA1). Also called: Warburton-Anyane-Yeboa syndrome. Identifiers: Orphanet 1052, MedGen C1850343, MONDO:0009759, OMIM 257300.

gnomAD v4.1: 4 of 1,613,270 alleles (0.00025%); highest among the groups gnomAD compares: Non-Finnish European, 0.00034%; no homozygotes.

Submissions (2):

Ambry Genetics
Classification: Uncertain significance for Inborn genetic diseases. Last evaluated: 2024-02-05. Review status: criteria provided, single submitter. Criteria: Ambry Variant Classification Scheme 2023. Collection method: clinical testing. Allele origin: germline.
Comment: The p.E7D variant (also known as c.21A>C), located in coding exon 1 of the BUB1B gene, results from an A to C substitution at nucleotide position 21. The glutamic acid at codon 7 is replaced by aspartic acid, an amino acid with highly similar properties. This amino acid position is conserved. In addition, this alteration is predicted to be tolerated by in silico analysis. Since supporting evidence is limited at this time, the clinical significance of this alteration remains unclear.

Labcorp Genetics (formerly Invitae), Labcorp
Classification: Uncertain significance for Mosaic variegated aneuploidy syndrome 1. Last evaluated: 2021-10-15. Review status: criteria provided, single submitter. Criteria: Invitae Variant Classification Sherloc (09022015). Collection method: clinical testing. Allele origin: germline.
Comment: This sequence change replaces glutamic acid with aspartic acid at codon 7 of the BUB1B protein (p.Glu7Asp). The glutamic acid residue is weakly conserved and there is a small physicochemical difference between glutamic acid and aspartic acid. This variant is not present in population databases (ExAC no frequency). This variant has not been reported in the literature in individuals affected with BUB1B-related conditions. Algorithms developed to predict the effect of missense changes on protein structure and function output the following: SIFT: "Deleterious"; PolyPhen-2: "Benign"; Align-GVGD: "Class C0". The aspartic acid amino acid residue is found in multiple mammalian species, which suggests that this missense change does not adversely affect protein function. In summary, the available evidence is currently insufficient to determine the role of this variant in disease. Therefore, it has been classified as a Variant of Uncertain Significance.

NM_001211.6(BUB1B):c.21A>C (p.Glu7Asp)

Genes: BUB1B (BUB1 mitotic checkpoint serine/threonine kinase B; plus strand), LOC130056830 (ATAC-STARR-seq lymphoblastoid active region 9236; plus strand). Cytogenetic location: 15q15.1.
Variant type: single nucleotide variant.
Coding change: c.21A>C on transcript NM_001211.6 (MANE Select); coding-DNA position 21, A replaced by C.
Protein change: p.Glu7Asp; replaces glutamic acid 7 with aspartic acid.
Molecular consequence: missense variant.
Genome position (GRCh38, 1-based): chr15:40,161,241, A>C. VCF-style: chr15-40161241-A-C. GRCh37 (hg19) VCF-style: chr15-40453442-A-C.
Other names: short protein forms E7D.
Identifiers: ClinVar variation 1428960 (VCV001428960.8), dbSNP rs1819687564, ClinGen allele CA391676485.